The following is an entry in ClinVar:

ClinVar aggregate classification (germline): Pathogenic (1 of 4 stars; one submission).

Submission:

Labcorp Genetics (formerly Invitae), Labcorp
Classification: Pathogenic. Last evaluated: 2024-11-27. Review status: criteria provided, single submitter. Criteria: Invitae Variant Classification Sherloc (09022015). Collection method: clinical testing. Allele origin: germline.
Comment: This sequence change creates a premature translational stop signal (p.Gln2850*) in the FAT1 gene. It is expected to result in an absent or disrupted protein product. Loss-of-function variants in FAT1 are known to be pathogenic (PMID: 30862798). This variant is not present in population databases (gnomAD no frequency). This variant has not been reported in the literature in individuals affected with FAT1-related conditions. For these reasons, this variant has been classified as Pathogenic.

Literature cited by the submitters: PubMed 30862798.

NM_005245.4(FAT1):c.8548C>T (p.Gln2850Ter)

Genes: FAT1 (FAT atypical cadherin 1; minus strand), LOC126807255 (BRD4-independent group 4 enhancer GRCh37_chr4:187538202-187539401; plus strand). Cytogenetic location: 4q35.2.
Variant type: single nucleotide variant.
Coding change: c.8548C>T on transcript NM_005245.4 (MANE Select); coding-DNA position 8548, C replaced by T.
Protein change: p.Gln2850Ter; replaces glutamine 2850 with a stop codon.
Molecular consequence: nonsense.
Genome position (GRCh38, 1-based): chr4:186,618,038, G>A on the plus strand (C>T on the coding strand, the complement: FAT1 is on the minus strand). VCF-style: chr4-186618038-G-A. GRCh37 (hg19) VCF-style: chr4-187539192-G-A.
Other names: short protein forms Q2850*.
Identifiers: ClinVar variation 3724013 (VCV003724013.2).